The following is an entry in ClinVar:

NM_001271938.2(MEGF8):c.3841C>T (p.Arg1281Trp)

Gene: MEGF8 (multiple EGF like domains 8; plus strand). Cytogenetic location: 19q13.2.
Variant type: single nucleotide variant.
Coding change: c.3841C>T on transcript NM_001271938.2 (MANE Select); coding-DNA position 3841, C replaced by T.
Protein change: p.Arg1281Trp; replaces arginine 1281 with tryptophan.
Molecular consequence: missense variant.
Genome position (GRCh38, 1-based): chr19:42,353,854, C>T. VCF-style: chr19-42353854-C-T. GRCh37 (hg19) VCF-style: chr19-42858006-C-T.
Other names: c.3640C>T, p.Arg1214Trp (NM_001410.3); short protein forms R1214W, R1281W.
Identifiers: ClinVar variation 1186707 (VCV001186707.5), dbSNP rs371283114, ClinGen allele CA9475103.

ClinVar aggregate classification (germline): Uncertain significance. Review status: criteria provided, multiple submitters, no conflicts (2 of 4 stars). 3 submissions from 3 submitters: Uncertain significance (3). Last evaluated 2024-04-01.

Conditions:
Inborn genetic diseases. Identifiers: MedGen C0950123, MeSH D030342.
MEGF8-related Carpenter syndrome. Also called: Carpenter syndrome 2. Identifiers: Orphanet 65759, MedGen C3554247, MONDO:0013998, OMIM 614976.

Allele frequency attached by ClinVar (database versions not stated): gnomAD exomes 0.00003 and 0.00005; gnomAD 0.00004 and 0.00005; TOPMed 0.00005; ExAC 0.00007; ESP Exome Variant Server 0.00008.

Submissions (3):

Ambry Genetics
Classification: Uncertain significance for Inborn genetic diseases. Last evaluated: 2024-04-01. Review status: criteria provided, single submitter. Criteria: Ambry Variant Classification Scheme 2023. Collection method: clinical testing. Allele origin: germline.

Labcorp Genetics (formerly Invitae), Labcorp
Classification: Uncertain significance for MEGF8-related Carpenter syndrome. Last evaluated: 2022-06-07. Review status: criteria provided, single submitter. Criteria: Invitae Variant Classification Sherloc (09022015). Collection method: clinical testing. Allele origin: germline.
Comment: This sequence change replaces arginine, which is basic and polar, with tryptophan, which is neutral and slightly polar, at codon 1214 of the MEGF8 protein (p.Arg1214Trp). This variant is present in population databases (rs371283114, gnomAD 0.01%). This variant has not been reported in the literature in individuals affected with MEGF8-related conditions. ClinVar contains an entry for this variant (Variation ID: 1186707). Algorithms developed to predict the effect of missense changes on protein structure and function are either unavailable or do not agree on the potential impact of this missense change (SIFT: "Deleterious"; PolyPhen-2: "Benign"; Align-GVGD: "Class C0"). In summary, the available evidence is currently insufficient to determine the role of this variant in disease. Therefore, it has been classified as a Variant of Uncertain Significance.

GeneDx
Classification: Uncertain significance. Last evaluated: 2019-12-03. Review status: criteria provided, single submitter. Criteria: GeneDx Variant Classification Process June 2021. Collection method: clinical testing. Allele origin: germline. Affected: yes.
Comment: In silico analysis, which includes protein predictors and evolutionary conservation, supports a deleterious effect; Has not been previously published as pathogenic or benign to our knowledge